The following is an entry in ClinVar:

ClinVar aggregate classification (germline): Uncertain significance (1 of 4 stars; one submission).

Conditions:
Benign neonatal seizures. Also called: Benign familial neonatal seizures; Benign neonatal familial convulsions; Convulsions benign familial neonatal dominant form; Autosomal dominant form of benign neonatal seizures; Benign familial neonatal epilepsy. Identifiers: Orphanet 1949, MedGen C0220669, MONDO:0016027.

Allele frequency attached by ClinVar (database versions not stated): gnomAD exomes below 0.00001.
gnomAD v4.1: 1 of 1,613,566 alleles (0.000062%); highest among the groups gnomAD compares: Non-Finnish European, 0.000085%; no homozygotes.

Submission:

Labcorp Genetics (formerly Invitae), Labcorp
Classification: Uncertain significance for Benign neonatal seizures. Last evaluated: 2022-02-18. Review status: criteria provided, single submitter. Criteria: Invitae Variant Classification Sherloc (09022015). Collection method: clinical testing. Allele origin: germline.
Comment: This sequence change replaces serine, which is neutral and polar, with proline, which is neutral and non-polar, at codon 824 of the KCNQ3 protein (p.Ser824Pro). This variant is not present in population databases (gnomAD no frequency). This variant has not been reported in the literature in individuals affected with KCNQ3-related conditions. Advanced modeling of protein sequence and biophysical properties (such as structural, functional, and spatial information, amino acid conservation, physicochemical variation, residue mobility, and thermodynamic stability) performed at Invitae indicates that this missense variant is not expected to disrupt KCNQ3 protein function. In summary, the available evidence is currently insufficient to determine the role of this variant in disease. Therefore, it has been classified as a Variant of Uncertain Significance.

NM_004519.4(KCNQ3):c.2470T>C (p.Ser824Pro)

Gene: KCNQ3 (potassium voltage-gated channel subfamily Q member 3; minus strand). Cytogenetic location: 8q24.22.
Variant type: single nucleotide variant.
Coding change: c.2470T>C on transcript NM_004519.4 (MANE Select); coding-DNA position 2470, T replaced by C.
Protein change: p.Ser824Pro; replaces serine 824 with proline.
Molecular consequence: missense variant.
Genome position (GRCh38, 1-based): chr8:132,129,411, A>G on the plus strand (T>C on the coding strand, the complement: KCNQ3 is on the minus strand). VCF-style: chr8-132129411-A-G. GRCh37 (hg19) VCF-style: chr8-133141658-A-G.
Other names: c.2110T>C, p.Ser704Pro (NM_001204824.2); short protein forms S704P, S824P.
Identifiers: ClinVar variation 2163175 (VCV002163175.4), dbSNP rs1586749926, ClinGen allele CA372215825.
Genomic context (GRCh38, chr8:132,129,411, plus strand): 5'-GGTCCGTGTCTGTGTCCGTCTCACCCTCGGCGAGGTACCGCTTCTCCCTCATCCAGCTCG[A>G]CCCCCCATTGGGGCCGAACACATAATCATCTCTGTCCTGGGAGATGCTGAAGCCACTTGG-3'
Protein context (NP_004510.1, residues 814-834): DDYVFGPNGG[Ser824Pro]SWMREKRYLA